The following is an entry in ClinVar:

NM_012179.4(FBXO7):c.1204C>A (p.Gln402Lys)

Gene: FBXO7 (F-box protein 7; plus strand). Cytogenetic location: 22q12.3.
Variant type: single nucleotide variant.
Coding change: c.1204C>A on transcript NM_012179.4 (MANE Select); coding-DNA position 1204, C replaced by A.
Protein change: p.Gln402Lys; replaces glutamine 402 with lysine.
Molecular consequence: missense variant.
Genome position (GRCh38, 1-based): chr22:32,498,165, C>A. VCF-style: chr22-32498165-C-A. GRCh37 (hg19) VCF-style: chr22-32894152-C-A.
Other names: c.967C>A, p.Gln323Lys (NM_001033024.2); c.862C>A, p.Gln288Lys (NM_001257990.2); short protein forms Q288K, Q323K, Q402K.
Identifiers: ClinVar variation 3342403 (VCV003342403.1).

ClinVar aggregate classification (germline): Uncertain significance (1 of 4 stars; one submission).

gnomAD v4.1: 5 of 1,614,154 alleles (0.00031%); highest among the groups gnomAD compares: South Asian, 0.0044%; no homozygotes.

Submission:

GeneDx
Classification: Uncertain significance. Last evaluated: 2023-07-27. Review status: criteria provided, single submitter. Criteria: GeneDx Variant Classification Process June 2021. Collection method: clinical testing. Allele origin: germline. Affected: yes.
Comment: Not observed at significant frequency in large population cohorts (gnomAD); In silico analysis supports that this missense variant does not alter protein structure/function; Has not been previously published as pathogenic or benign to our knowledge